The following is an entry in ClinVar:

ClinVar aggregate classification (germline): Uncertain significance. Review status: criteria provided, multiple submitters, no conflicts (2 of 4 stars). 3 submissions from 3 submitters: Uncertain significance (3). Last evaluated 2025-05-05.

Conditions:
Hereditary cancer-predisposing syndrome. Also called: Hereditary Cancer Syndrome; Tumor predisposition; Hereditary neoplastic syndrome; Neoplastic Syndromes, Hereditary. Identifiers: Orphanet 140162, MedGen C0027672, MeSH D009386, MONDO:0015356.
Multiple endocrine neoplasia, type 1 (MEN1). Also called: MEN I; WERMER SYNDROME; Endocrine adenomatosis multiple; MEN 1; MEA I. Identifiers: Orphanet 652, MedGen C0025267, MeSH D018761, MONDO:0007540, OMIM 131100.

Allele frequency attached by ClinVar (database versions not stated): TOPMed 0.00001.

Submissions (3):

Labcorp Genetics (formerly Invitae), Labcorp
Classification: Uncertain significance for Multiple endocrine neoplasia, type 1. Last evaluated: 2025-05-05. Review status: criteria provided, single submitter. Criteria: Invitae Variant Classification Sherloc (09022015). Collection method: clinical testing. Allele origin: germline.
Comment: This sequence change replaces glycine, which is neutral and non-polar, with valine, which is neutral and non-polar, at codon 505 of the MEN1 protein (p.Gly505Val). This variant is not present in population databases (gnomAD no frequency). This variant has not been reported in the literature in individuals affected with MEN1-related conditions. ClinVar contains an entry for this variant (Variation ID: 1052947). Invitae Evidence Modeling of protein sequence and biophysical properties (such as structural, functional, and spatial information, amino acid conservation, physicochemical variation, residue mobility, and thermodynamic stability) indicates that this missense variant is not expected to disrupt MEN1 protein function with a negative predictive value of 95%. In summary, the available evidence is currently insufficient to determine the role of this variant in disease. Therefore, it has been classified as a Variant of Uncertain Significance.

GeneDx
Classification: Uncertain significance. Last evaluated: 2024-08-28. Review status: criteria provided, single submitter. Criteria: GeneDx Variant Classification Process June 2021. Collection method: clinical testing. Allele origin: germline. Affected: yes.
Comment: Not observed at significant frequency in large population cohorts (gnomAD); In silico analysis indicates that this missense variant does not alter protein structure/function; Observed in individuals suspected to have MEN1 (PMID: 30869828); This variant is associated with the following publications: (PMID: 30869828)

Ambry Genetics
Classification: Uncertain significance for Hereditary cancer-predisposing syndrome. Last evaluated: 2023-11-15. Review status: criteria provided, single submitter. Criteria: Ambry Variant Classification Scheme 2023. Collection method: clinical testing. Allele origin: germline.
Comment: The p.G505V variant (also known as c.1514G>T), located in coding exon 9 of the MEN1 gene, results from a G to T substitution at nucleotide position 1514. The glycine at codon 505 is replaced by valine, an amino acid with dissimilar properties. This amino acid position is well conserved in available vertebrate species. In addition, the in silico prediction for this alteration is inconclusive. Since supporting evidence is limited at this time, the clinical significance of this alteration remains unclear.

NM_001370259.2(MEN1):c.1514G>T (p.Gly505Val)

Gene: MEN1 (menin 1; minus strand). Cytogenetic location: 11q13.1.
Variant type: single nucleotide variant.
Coding change: c.1514G>T on transcript NM_001370259.2 (MANE Select); coding-DNA position 1514, G replaced by T.
Protein change: p.Gly505Val; replaces glycine 505 with valine.
Molecular consequence: missense variant.
Genome position (GRCh38, 1-based): chr11:64,804,653, C>A on the plus strand (G>T on the coding strand, the complement: MEN1 is on the minus strand). VCF-style: chr11-64804653-C-A. GRCh37 (hg19) VCF-style: chr11-64572125-C-A.
Other names: c.1514G>T (NM_130799.2); c.1529G>T, p.Gly510Val (NM_000244.4, NM_130800.3, NM_130801.3 and 3 more transcripts); c.1640G>T, p.Gly547Val (NM_001370251.2); c.1514G>T, p.Gly505Val (NM_001370260.2, NM_001370261.2, NM_130799.3); c.1409G>T, p.Gly470Val (NM_001370262.2, NM_001370263.2); short protein forms G470V, G505V, G510V, G547V.
Identifiers: ClinVar variation 1052947 (VCV001052947.11), dbSNP rs1320934898, ClinGen allele CA381178740.